The following is an entry in ClinVar:

ClinVar aggregate classification (germline): Uncertain significance (1 of 4 stars; one submission).

Conditions:
Fanconi anemia (FA). Also called: Fanconi's anemia. Identifiers: Orphanet 84, MedGen C0015625, MeSH D005199, MONDO:0019391.

Allele frequency attached by ClinVar (database versions not stated): gnomAD exomes below 0.00001; ExAC 0.00001.

Submission:

Labcorp Genetics (formerly Invitae), Labcorp
Classification: Uncertain significance for Fanconi anemia. Last evaluated: 2022-08-10. Review status: criteria provided, single submitter. Criteria: Invitae Variant Classification Sherloc (09022015). Collection method: clinical testing. Allele origin: germline.
Comment: In summary, the available evidence is currently insufficient to determine the role of this variant in disease. Therefore, it has been classified as a Variant of Uncertain Significance. Algorithms developed to predict the effect of missense changes on protein structure and function output the following: SIFT: "Tolerated"; PolyPhen-2: "Benign"; Align-GVGD: "Class C0". The lysine amino acid residue is found in multiple mammalian species, which suggests that this missense change does not adversely affect protein function. This variant has not been reported in the literature in individuals affected with FANCM-related conditions. This variant is present in population databases (rs769235576, gnomAD 0.006%). This sequence change replaces glutamic acid, which is acidic and polar, with lysine, which is basic and polar, at codon 1211 of the FANCM protein (p.Glu1211Lys).

NM_020937.4(FANCM):c.3631G>A (p.Glu1211Lys)

Gene: FANCM (FA complementation group M; plus strand). Cytogenetic location: 14q21.2.
Variant type: single nucleotide variant.
Coding change: c.3631G>A on transcript NM_020937.4 (MANE Select); coding-DNA position 3631, G replaced by A.
Protein change: p.Glu1211Lys; replaces glutamic acid 1211 with lysine.
Molecular consequence: missense variant.
Genome position (GRCh38, 1-based): chr14:45,176,385, G>A. VCF-style: chr14-45176385-G-A. GRCh37 (hg19) VCF-style: chr14-45645588-G-A.
Other names: c.3553G>A, p.Glu1185Lys (NM_001308133.2); short protein forms E1211K, E1185K.
Identifiers: ClinVar variation 1944357 (VCV001944357.5), dbSNP rs769235576, ClinGen allele CA7169546.